The following is an entry in ClinVar:

ClinVar aggregate classification (germline): Uncertain significance (1 of 4 stars; one submission).

Submission:

GeneDx
Classification: Uncertain significance. Last evaluated: 2025-03-06. Review status: criteria provided, single submitter. Criteria: GeneDx Variant Classification Process June 2021. Collection method: clinical testing. Allele origin: germline. Affected: yes.
Comment: Not observed at significant frequency in large population cohorts (gnomAD); In silico analysis supports a deleterious effect on splicing; Has not been previously published as pathogenic or benign to our knowledge

NM_001256447.2(BCAP31):c.342-5T>A

Gene: BCAP31 (B cell receptor associated protein 31; minus strand). Cytogenetic location: Xq28.
Variant type: single nucleotide variant.
Coding change: c.342-5T>A on transcript NM_001256447.2 (MANE Select); 5 bases into the intron before coding-DNA position 342, T replaced by A.
Molecular consequence: intron variant.
Genome position (GRCh38, 1-based): chrX:153,704,099, A>T on the plus strand (T>A on the coding strand, the complement: BCAP31 is on the minus strand). VCF-style: chrX-153704099-A-T. GRCh37 (hg19) VCF-style: chrX-152969554-A-T.
Other names: c.342-5T>A (NM_005745.8, NM_001139441.1); c.543-5T>A (NM_001139457.2).
Identifiers: ClinVar variation 4082786 (VCV004082786.1).